The following is an entry in ClinVar:

ClinVar aggregate classification (germline): Pathogenic/Likely pathogenic. Review status: criteria provided, multiple submitters, no conflicts (2 of 4 stars). 2 submissions from 2 submitters: Pathogenic (1); Likely pathogenic (1). Last evaluated 2023-10-13.

Conditions:
VARS2-related disorder. Also called: VARS2-related disorders; VARS2-related condition.
Combined oxidative phosphorylation defect type 20. Also called: Combined oxidative phosphorylation deficiency 20. Identifiers: Orphanet 420728, MedGen C4014660, MONDO:0014397, OMIM 615917.

Allele frequency attached by ClinVar (database versions not stated): TOPMed 0.00001; gnomAD 0.00004; gnomAD exomes 0.00006 and 0.00009; ExAC 0.00013.
gnomAD v4.1: 100 of 1,612,154 alleles (0.0062%); highest among the groups gnomAD compares: Non-Finnish European, 0.0021%; no homozygotes.

Submissions (2):

Blueprint Genetics
Classification: Likely pathogenic for VARS2-related disorders. Last evaluated: 2023-10-13. Review status: criteria provided, single submitter. Criteria: ACMG Guidelines, 2015. Collection method: clinical testing. Allele origin: germline. Affected: yes. Observed: 5 variant alleles.

Baylor Genetics
Classification: Pathogenic for Combined oxidative phosphorylation defect type 20. Last evaluated: 2018-02-01. Review status: criteria provided, single submitter. Criteria: ACMG Guidelines, 2015. Collection method: clinical testing. Allele origin: paternal. Affected: yes.
Comment: This variant was determined to be pathogenic according to ACMG Guidelines, 2015 [PMID:25741868].

NM_020442.6(VARS2):c.2038-1G>A

Genes: VARS2 (valyl-tRNA synthetase 2, mitochondrial; plus strand), LOC126859646 (MED14-independent group 3 enhancer GRCh37_chr6:30889690-30890889; plus strand). Cytogenetic location: 6p21.33.
Variant type: single nucleotide variant.
Coding change: c.2038-1G>A on transcript NM_020442.6 (MANE Select); the canonical splice acceptor site of the intron before coding-DNA position 2038, G replaced by A.
Molecular consequence: splice acceptor variant.
Genome position (GRCh38, 1-based): chr6:30,922,705, G>A. VCF-style: chr6-30922705-G-A. GRCh37 (hg19) VCF-style: chr6-30890482-G-A.
Other names: c.2128-1G>A (NM_001167734.2); c.1618-1G>A (NM_001167733.3).
Identifiers: ClinVar variation 1032680 (VCV001032680.2), dbSNP rs769768815, ClinGen allele CA3706146.